The following is an entry in ClinVar:

ClinVar aggregate classification (germline): Uncertain significance. Review status: criteria provided, multiple submitters, no conflicts (2 of 4 stars). 4 submissions from 4 submitters: Uncertain significance (4). Last evaluated 2025-07-15.

Conditions:
TTC21B-related disorder. Also called: TTC21B-related condition; TTC21B-related disorders.
Inborn genetic diseases. Identifiers: MedGen C0950123, MeSH D030342.
Nephronophthisis 12 (NPHP12). Identifiers: Orphanet 655, MedGen C3151186, MONDO:0013442, OMIM 613820.
Asphyxiating thoracic dystrophy 4 (SRTD4). Also called: SHORT-RIB THORACIC DYSPLASIA 4 WITH OR WITHOUT POLYDACTYLY; SHORT-RIB THORACIC DYSPLASIA 4. Identifiers: Orphanet 474, MedGen C3151185, MONDO:0013441, OMIM 613819.

gnomAD v4.1: 2 of 1,613,710 alleles (0.00012%); highest among the groups gnomAD compares: Admixed American, 0.0017%; no homozygotes.

Submissions (4):

Ambry Genetics
Classification: Uncertain significance for Inborn genetic diseases. Last evaluated: 2025-07-15. Review status: criteria provided, single submitter. Criteria: Ambry Variant Classification Scheme 2023. Collection method: clinical testing. Allele origin: germline.

PreventionGenetics, part of Exact Sciences
Classification: Uncertain significance for TTC21B-related condition. Last evaluated: 2025-06-26. Review status: criteria provided, single submitter. Criteria: ACMG Guidelines, 2015. Collection method: clinical testing. Allele origin: germline.
Comment: The TTC21B c.2326A>G variant is predicted to result in the amino acid substitution p.Ile776Val. To our knowledge, this variant has not been reported in the literature. This variant is reported in 0.0029% of alleles in individuals of Latino descent in gnomAD. At this time, the clinical significance of this variant is uncertain due to the absence of conclusive functional and genetic evidence.

GeneDx
Classification: Uncertain significance. Last evaluated: 2025-02-11. Review status: criteria provided, single submitter. Criteria: GeneDx Variant Classification Process June 2021. Collection method: clinical testing. Allele origin: germline.
Comment: Not observed at significant frequency in large population cohorts (gnomAD); In silico analysis suggests this variant may impact gene splicing. In the absence of RNA/functional studies, the actual effect of this sequence change is unknown.; In silico analysis supports that this missense variant does not alter protein structure/function; Has not been previously published as pathogenic or benign to our knowledge

Fulgent Genetics
Classification: Uncertain significance for Asphyxiating thoracic dystrophy 4; Nephronophthisis 12. Last evaluated: 2024-05-03. Review status: criteria provided, single submitter. Criteria: ACMG Guidelines, 2015. Collection method: clinical testing. Allele origin: germline.

NM_024753.5(TTC21B):c.2326A>G (p.Ile776Val)

Gene: TTC21B (tetratricopeptide repeat domain 21B; minus strand). Cytogenetic location: 2q24.3.
Variant type: single nucleotide variant.
Coding change: c.2326A>G on transcript NM_024753.5 (MANE Select); coding-DNA position 2326, A replaced by G.
Protein change: p.Ile776Val; replaces isoleucine 776 with valine.
Molecular consequence: missense variant.
Genome position (GRCh38, 1-based): chr2:165,911,462, T>C on the plus strand (A>G on the coding strand, the complement: TTC21B is on the minus strand). VCF-style: chr2-165911462-T-C. GRCh37 (hg19) VCF-style: chr2-166767972-T-C.
Other names: c.2326A>G (NM_024753.4); short protein forms I776V.
Identifiers: ClinVar variation 2209665 (VCV002209665.7), dbSNP rs1185370524, ClinGen allele CA349057163.